The following is an entry in ClinVar:

ClinVar aggregate classification (germline): Uncertain significance. Review status: criteria provided, multiple submitters, no conflicts (2 of 4 stars). 2 submissions from 2 submitters: Uncertain significance (2). Last evaluated 2025-11-12.

Conditions:
Hereditary cancer-predisposing syndrome. Also called: Neoplastic Syndromes, Hereditary; Tumor predisposition; Hereditary Cancer Syndrome; Hereditary neoplastic syndrome. Identifiers: Orphanet 140162, MedGen C0027672, MeSH D009386, MONDO:0015356.
Gastrointestinal stromal tumor. Also called: Gastrointestinal stromal tumor, somatic; Gastrointestinal stroma tumor. Identifiers: Orphanet 44890, MedGen C0238198, MeSH D046152, MONDO:0011719, OMIM 606764, HP:0100723.

gnomAD v4.1: 6 of 1,614,174 alleles (0.00037%); highest among the groups gnomAD compares: Non-Finnish European, 0.00051%; no homozygotes.

Submissions (2):

Labcorp Genetics (formerly Invitae), Labcorp
Classification: Uncertain significance for Gastrointestinal stromal tumor. Last evaluated: 2025-11-12. Review status: criteria provided, single submitter. Criteria: Invitae Variant Classification Sherloc (09022015). Collection method: clinical testing. Allele origin: germline.
Comment: This sequence change replaces methionine, which is neutral and non-polar, with leucine, which is neutral and non-polar, at codon 552 of the KIT protein (p.Met552Leu). This variant is not present in population databases (gnomAD no frequency). This variant has not been reported in the literature in individuals affected with KIT-related conditions. ClinVar contains an entry for this variant (Variation ID: 838499). An algorithm developed to predict the effect of missense changes on protein structure and function (PolyPhen-2) suggests that this variant is likely to be tolerated. In summary, the available evidence is currently insufficient to determine the role of this variant in disease. Therefore, it has been classified as a Variant of Uncertain Significance.

Ambry Genetics
Classification: Uncertain significance for Hereditary cancer-predisposing syndrome. Last evaluated: 2025-05-07. Review status: criteria provided, single submitter. Criteria: Ambry Variant Classification Scheme 2023. Collection method: clinical testing. Allele origin: germline.
Comment: The p.M552L variant (also known as c.1654A>T), located in coding exon 11 of the KIT gene, results from an A to T substitution at nucleotide position 1654. The methionine at codon 552 is replaced by leucine, an amino acid with highly similar properties. This amino acid position is not well conserved in available vertebrate species. In addition, the in silico prediction for this alteration is inconclusive. Based on the available evidence, the clinical significance of this variant remains unclear.

NM_000222.3(KIT):c.1654A>T (p.Met552Leu)

Gene: KIT (KIT proto-oncogene, receptor tyrosine kinase; plus strand). Cytogenetic location: 4q12.
Variant type: single nucleotide variant.
Coding change: c.1654A>T on transcript NM_000222.3 (MANE Select); coding-DNA position 1654, A replaced by T.
Protein change: p.Met552Leu; replaces methionine 552 with leucine.
Molecular consequence: missense variant.
Genome position (GRCh38, 1-based): chr4:54,727,422, A>T. VCF-style: chr4-54727422-A-T. GRCh37 (hg19) VCF-style: chr4-55593588-A-T.
Other names: c.1642A>T, p.Met548Leu (NM_001093772.2, NM_001385286.1); c.1657A>T, p.Met553Leu (NM_001385284.1, NM_001385290.1); c.1654A>T, p.Met552Leu (NM_001385285.1); c.1645A>T, p.Met549Leu (NM_001385288.1, NM_001385292.1); short protein forms M552L, M548L, M549L, M553L.
Identifiers: ClinVar variation 838499 (VCV000838499.11), dbSNP rs777596975, ClinGen allele CA356907428.